The following is an entry in ClinVar:

ClinVar aggregate classification (germline): Likely pathogenic (1 of 4 stars; one submission).

Conditions:
Dilated cardiomyopathy 1G (CMD1G). Identifiers: Orphanet 154, MedGen C1858763, MONDO:0011400, OMIM 604145.
Autosomal recessive limb-girdle muscular dystrophy type 2J (LGMDR10). Also called: Limb-girdle muscular dystrophy, type 2J; MUSCULAR DYSTROPHY, LIMB-GIRDLE, AUTOSOMAL RECESSIVE 10. Identifiers: Orphanet 140922, MedGen C1837342, MONDO:0012127, OMIM 608807.

Allele frequency attached by ClinVar (database versions not stated): gnomAD exomes below 0.00001; TOPMed below 0.00001; ExAC 0.00001; gnomAD 0.00001.
gnomAD v4.1: 2 of 1,613,748 alleles (0.00012%); highest among the groups gnomAD compares: Non-Finnish European, 0.00017%; no homozygotes.

Submission:

Labcorp Genetics (formerly Invitae), Labcorp
Classification: Likely pathogenic for Dilated cardiomyopathy 1G; Autosomal recessive limb-girdle muscular dystrophy type 2J. Last evaluated: 2024-04-03. Review status: criteria provided, single submitter. Criteria: Invitae Variant Classification Sherloc (09022015). Collection method: clinical testing. Allele origin: germline.
Comment: This sequence change creates a premature translational stop signal (p.Leu28843*) in the TTN gene. While this is not anticipated to result in nonsense mediated decay, it is expected to create a truncated TTN protein. This variant is present in population databases (rs752378132, gnomAD 0.0009%). This variant has not been reported in the literature in individuals affected with TTN-related conditions. ClinVar contains an entry for this variant (Variation ID: 847868). This variant is located in the A band of TTN (PMID: 25589632). Truncating variants in this region are significantly overrepresented in patients affected with dilated cardiomyopathy (PMID: 25589632). Truncating variants in this region have also been reported in individuals affected with autosomal recessive centronuclear myopathy (PMID: 23975875). In summary, the currently available evidence indicates that the variant is pathogenic, but additional data are needed to prove that conclusively. Therefore, this variant has been classified as Likely Pathogenic.

Literature cited by the submitters: PubMed 25589632; PubMed 23975875.

NM_001267550.2(TTN):c.86528T>G (p.Leu28843Ter)

Genes: TTN (titin; minus strand), TTN-AS1 (TTN antisense RNA 1; plus strand). Cytogenetic location: 2q31.2.
Variant type: single nucleotide variant.
Coding change: c.86528T>G on transcript NM_001267550.2 (MANE Select); coding-DNA position 86528, T replaced by G.
Protein change: p.Leu28843Ter; replaces leucine 28843 with a stop codon.
Molecular consequence: nonsense.
Genome position (GRCh38, 1-based): chr2:178,559,604, A>C on the plus strand (T>G on the coding strand, the complement: TTN is on the minus strand). VCF-style: chr2-178559604-A-C. GRCh37 (hg19) VCF-style: chr2-179424331-A-C.
Other names: c.81605T>G, p.Leu27202Ter (NM_001256850.1); c.59333T>G, p.Leu19778Ter (NM_003319.4); c.78824T>G, p.Leu26275Ter (NM_133378.4); c.59708T>G, p.Leu19903Ter (NM_133432.3); c.59909T>G, p.Leu19970Ter (NM_133437.4); short protein forms L27202*, L28843*, L19778*, L26275*, L19903*, L19970*.
Identifiers: ClinVar variation 847868 (VCV000847868.10), dbSNP rs752378132, ClinGen allele CA1988487.